The following is an entry in ClinVar:

ClinVar aggregate classification (germline): Uncertain significance (1 of 4 stars; one submission).

Conditions:
Hypokalemic periodic paralysis, type 1. Also called: Hypokalemic Periodic Paralysis Type 1 (AD); HypoPP. Identifiers: Orphanet 681, MedGen C3714580, MONDO:0042979, OMIM 170400.
Malignant hyperthermia, susceptibility to, 5 (MHS5). Also called: CACNA1S-Related Malignant Hyperthermia Susceptibility. Identifiers: Orphanet 423, MedGen C1866077, MONDO:0011163, OMIM 601887.

Submission:

Labcorp Genetics (formerly Invitae), Labcorp
Classification: Uncertain significance for Hypokalemic periodic paralysis, type 1; Malignant hyperthermia, susceptibility to, 5. Last evaluated: 2023-11-24. Review status: criteria provided, single submitter. Criteria: Invitae Variant Classification Sherloc (09022015). Collection method: clinical testing. Allele origin: germline.
Comment: This sequence change falls in intron 2 of the CACNA1S gene. It does not directly change the encoded amino acid sequence of the CACNA1S protein. It affects a nucleotide within the consensus splice site. This variant is not present in population databases (gnomAD no frequency). This variant has not been reported in the literature in individuals affected with CACNA1S-related conditions. ClinVar contains an entry for this variant (Variation ID: 1414757). Variants that disrupt the consensus splice site are a relatively common cause of aberrant splicing (PMID: 17576681, 9536098). Algorithms developed to predict the effect of sequence changes on RNA splicing suggest that this variant is not likely to affect RNA splicing. In summary, the available evidence is currently insufficient to determine the role of this variant in disease. Therefore, it has been classified as a Variant of Uncertain Significance.

Literature cited by the submitters: PubMed 17576681; PubMed 9536098.

NM_000069.3(CACNA1S):c.258+4A>G

Gene: CACNA1S (calcium voltage-gated channel subunit alpha1 S; minus strand). Cytogenetic location: 1q32.1.
Variant type: single nucleotide variant.
Coding change: c.258+4A>G on transcript NM_000069.3 (MANE Select); 4 bases into the intron after coding-DNA position 258, A replaced by G.
Molecular consequence: intron variant.
Genome position (GRCh38, 1-based): chr1:201,110,160, T>C on the plus strand (A>G on the coding strand, the complement: CACNA1S is on the minus strand). VCF-style: chr1-201110160-T-C. GRCh37 (hg19) VCF-style: chr1-201079288-T-C.
Identifiers: ClinVar variation 1414757 (VCV001414757.6), dbSNP rs2102190508, ClinGen allele CA2573131477.